The following is an entry in ClinVar:

NM_001378454.1(ALMS1):c.7084C>T (p.Pro2362Ser)

Gene: ALMS1 (ALMS1 centrosome and basal body associated protein; plus strand). Cytogenetic location: 2p13.1.
Variant type: single nucleotide variant.
Coding change: c.7084C>T on transcript NM_001378454.1 (MANE Select); coding-DNA position 7084, C replaced by T.
Protein change: p.Pro2362Ser; replaces proline 2362 with serine.
Molecular consequence: missense variant.
Genome position (GRCh38, 1-based): chr2:73,453,611, C>T. VCF-style: chr2-73453611-C-T. GRCh37 (hg19) VCF-style: chr2-73680738-C-T.
Other names: c.7087C>T, p.Pro2363Ser (NM_015120.4); short protein forms P2362S, P2363S.
Identifiers: ClinVar variation 1390818 (VCV001390818.6), dbSNP rs2103792526, ClinGen allele CA347290890.

ClinVar aggregate classification (germline): Uncertain significance (1 of 4 stars; one submission).

Conditions:
Alstrom syndrome (ALMS). Identifiers: Orphanet 64, MedGen C0268425, MONDO:0008763, OMIM 203800.

gnomAD v4.1: 1 of 1,613,942 alleles (0.000062%); highest among the groups gnomAD compares: Non-Finnish European, 0.000085%; no homozygotes.

Submission:

Labcorp Genetics (formerly Invitae), Labcorp
Classification: Uncertain significance for Alstrom syndrome. Last evaluated: 2021-11-02. Review status: criteria provided, single submitter. Criteria: Invitae Variant Classification Sherloc (09022015). Collection method: clinical testing. Allele origin: germline.
Comment: This sequence change replaces proline, which is neutral and non-polar, with serine, which is neutral and polar, at codon 2363 of the ALMS1 protein (p.Pro2363Ser). In summary, the available evidence is currently insufficient to determine the role of this variant in disease. Therefore, it has been classified as a Variant of Uncertain Significance. Experimental studies and prediction algorithms are not available or were not evaluated, and the functional significance of this variant is currently unknown. This variant has not been reported in the literature in individuals affected with ALMS1-related conditions. This variant is not present in population databases (gnomAD no frequency).